The following is an entry in ClinVar:

ClinVar aggregate classification (germline): Pathogenic. Review status: criteria provided, multiple submitters, no conflicts (2 of 4 stars). 3 submissions from 3 submitters: Pathogenic (3). Last evaluated 2025-04-29.

Conditions:
Familial cancer of breast. Also called: Hereditary breast cancer; hereditary breast carcinoma; BREAST CANCER, FAMILIAL. Identifiers: Orphanet 227535, MedGen C0346153, MONDO:0016419, OMIM 114480. Disease mechanism: loss of function.
Hereditary cancer-predisposing syndrome. Also called: Hereditary neoplastic syndrome; Neoplastic Syndromes, Hereditary; Tumor predisposition; Hereditary Cancer Syndrome. Identifiers: Orphanet 140162, MedGen C0027672, MeSH D009386, MONDO:0015356.
Fanconi anemia complementation group J. Also called: BRIP1-Related Fanconi Anemia. Identifiers: Orphanet 84, MedGen C1836860, MONDO:0012187, OMIM 609054.

Submissions (3):

Ambry Genetics
Classification: Pathogenic for Hereditary cancer-predisposing syndrome. Last evaluated: 2025-04-29. Review status: criteria provided, single submitter. Criteria: Ambry Variant Classification Scheme 2023. Collection method: clinical testing. Allele origin: germline.
Comment: The c.548delT pathogenic mutation, located in coding exon 5 of the BRIP1 gene, results from a deletion of one nucleotide at nucleotide position 548, causing a translational frameshift with a predicted alternate stop codon (p.L183Wfs*11). This variant is considered to be rare based on population cohorts in the Genome Aggregation Database (gnomAD). This alteration is expected to result in loss of function by premature protein truncation or nonsense-mediated mRNA decay. As such, this alteration is interpreted as a disease-causing mutation.

Myriad Genetics, Inc.
Classification: Pathogenic for Familial cancer of breast. Last evaluated: 2023-05-31. Review status: criteria provided, single submitter. Criteria: Myriad Autosomal Dominant, Autosomal Recessive and X-Linked Classification Criteria (2023). Collection method: clinical testing. Allele origin: unknown.
Comment: This variant is considered pathogenic. This variant creates a frameshift predicted to result in premature protein truncation.

Labcorp Genetics (formerly Invitae), Labcorp
Classification: Pathogenic for Familial cancer of breast; Fanconi anemia complementation group J. Last evaluated: 2018-05-17. Review status: criteria provided, single submitter. Criteria: Invitae Variant Classification Sherloc (09022015). Collection method: clinical testing. Allele origin: germline.
Comment: This variant has not been reported in the literature in individuals with BRIP1-related disease. ClinVar contains an entry for this variant (Variation ID: 407872). For these reasons, this variant has been classified as Pathogenic. Loss-of-function variants in BRIP1 are known to be pathogenic (PMID: 16116423, 17033622, 21964575). This variant is not present in population databases (ExAC no frequency). This sequence change creates a premature translational stop signal (p.Leu183Trpfs*11) in the BRIP1 gene. It is expected to result in an absent or disrupted protein product.

Literature cited by the submitters: PubMed 16116423 (cited by Labcorp Genetics (formerly Invitae), Labcorp); PubMed 17033622 (cited by Labcorp Genetics (formerly Invitae), Labcorp); PubMed 21964575 (cited by Labcorp Genetics (formerly Invitae), Labcorp).

NM_032043.3(BRIP1):c.548del (p.Leu183fs)

Gene: BRIP1 (BRCA1 interacting DNA helicase 1; minus strand). Cytogenetic location: 17q23.2.
Variant type: Deletion.
Coding change: c.548del on transcript NM_032043.3 (MANE Select); coding-DNA position 548, one base deleted (T; older notation c.548delT).
Protein change: p.Leu183fs; shifts the reading frame from leucine 183.
Molecular consequence: frameshift variant.
Genome position (GRCh38, 1-based): chr17:61,847,180, A deleted on the plus strand (T on the coding strand, the reverse complement: BRIP1 is on the minus strand); the first of 3 consecutive A bases (chr17:61,847,180-61,847,182); deleting any one gives the same sequence. VCF-style (leftmost placement, unchanged base first): chr17-61847179-CA-C. GRCh37 (hg19) VCF-style: chr17-59924540-CA-C.
Other names: c.548delT (NM_032043.2); short protein forms L183fs.
Identifiers: ClinVar variation 407872 (VCV000407872.10), dbSNP rs1060501778, ClinGen allele CA16615832.